The following is an entry in ClinVar:

NM_020750.3(XPO5):c.187G>A (p.Val63Ile)

Gene: XPO5 (exportin 5; minus strand). Cytogenetic location: 6p21.1.
Variant type: single nucleotide variant.
Coding change: c.187G>A on transcript NM_020750.3 (MANE Select); coding-DNA position 187, G replaced by A.
Protein change: p.Val63Ile; replaces valine 63 with isoleucine.
Molecular consequence: missense variant. On other transcripts: non-coding transcript variant (1).
Genome position (GRCh38, 1-based): chr6:43,573,520, C>T on the plus strand (G>A on the coding strand, the complement: XPO5 is on the minus strand). VCF-style: chr6-43573520-C-T. GRCh37 (hg19) VCF-style: chr6-43541257-C-T.
Other names: short protein forms V63I.
Identifiers: ClinVar variation 2178984 (VCV002178984.6), dbSNP rs370390582, ClinGen allele CA3826787.

ClinVar aggregate classification (germline): Likely benign. Review status: criteria provided, single submitter (1 of 4 stars). 2 submissions from 2 submitters: Likely benign (1). 1 of the submissions does not count toward it. Last evaluated 2025-12-11.

Conditions:
XPO5-related disorder. Also called: XPO5-related condition.

Allele frequency attached by ClinVar (database versions not stated): gnomAD exomes 0.00007; TOPMed 0.00012; ExAC 0.00017; gnomAD 0.00017; 1000 Genomes Project 0.00100; 1000 Genomes Project 30x 0.00125.
gnomAD v4.1: 128 of 1,613,728 alleles (0.0079%); highest among the groups gnomAD compares: East Asian, 0.23%; no homozygotes.

Submissions (2):

Labcorp Genetics (formerly Invitae), Labcorp
Classification: Likely benign. Last evaluated: 2025-12-11. Review status: criteria provided, single submitter. Criteria: Invitae Variant Classification Sherloc (09022015). Collection method: clinical testing. Allele origin: germline.

PreventionGenetics, part of Exact Sciences
Classification: Likely benign for XPO5-related condition. Last evaluated: 2022-02-03. Review status: no assertion criteria provided. Collection method: clinical testing. Allele origin: germline. Not counted in ClinVar's aggregate classification.
Comment: This variant is classified as likely benign based on ACMG/AMP sequence variant interpretation guidelines (Richards et al. 2015 PMID: 25741868, with internal and published modifications).